The following is an entry in ClinVar:

NM_001379500.1(COL18A1):c.3265G>A (p.Ala1089Thr)

Genes: SLC19A1 (solute carrier family 19 member 1; minus strand), COL18A1 (collagen type XVIII alpha 1 chain; plus strand). Cytogenetic location: 21q22.3.
Variant type: single nucleotide variant.
Coding change: c.3265G>A on transcript NM_001379500.1 (MANE Select); coding-DNA position 3265, G replaced by A.
Protein change: p.Ala1089Thr; replaces alanine 1089 with threonine.
Molecular consequence: missense variant.
Genome position (GRCh38, 1-based): chr21:45,509,371, G>A. VCF-style: chr21-45509371-G-A. GRCh37 (hg19) VCF-style: chr21-46929285-G-A.
Other names: c.3796G>A, p.Ala1266Thr (NM_030582.4); c.4501G>A, p.Ala1501Thr (NM_130444.3); short protein forms A1266T, A1501T, A1089T.
Identifiers: ClinVar variation 1407920 (VCV001407920.6), dbSNP rs569016298, ClinGen allele CA10067839.
Genomic context (GRCh38, chr21:45,509,371, plus strand): 5'-CCGGAGGGTCCCCCCGCCGACAGGCCCCACGTCTCCCACCTGCAGGACAATGAAGTGGCC[G>A]CCTTGCAGCCCCCCGTGGTGCAGCTGCACGACAGCAACCCCTACCCGCGGCGGGAGCACC-3'
Protein context (NP_001366429.1, residues 1079-1099): LPRGTDNEVA[Ala1089Thr]LQPPVVQLHD

ClinVar aggregate classification (germline): Uncertain significance. Review status: criteria provided, multiple submitters, no conflicts (2 of 4 stars). 2 submissions from 2 submitters: Uncertain significance (2). Last evaluated 2024-11-04.

Allele frequency attached by ClinVar (database versions not stated): gnomAD 0.00002; gnomAD exomes 0.00002; TOPMed 0.00002; 1000 Genomes Project 30x 0.00016; 1000 Genomes Project 0.00020.
gnomAD v4.1: 89 of 1,544,118 alleles (0.0058%); highest among the groups gnomAD compares: Non-Finnish European, 0.0077%; no homozygotes.

Submissions (2):

Blueprint Genetics
Classification: Uncertain significance. Last evaluated: 2024-11-04. Review status: criteria provided, single submitter. Criteria: ACMG Guidelines, 2015. Collection method: clinical testing. Allele origin: germline.

Labcorp Genetics (formerly Invitae), Labcorp
Classification: Uncertain significance. Last evaluated: 2022-08-09. Review status: criteria provided, single submitter. Criteria: Invitae Variant Classification Sherloc (09022015). Collection method: clinical testing. Allele origin: germline.
Comment: This sequence change replaces alanine, which is neutral and non-polar, with threonine, which is neutral and polar, at codon 1086 of the COL18A1 protein (p.Ala1086Thr). The frequency data for this variant in the population databases is considered unreliable, as metrics indicate poor data quality at this position in the gnomAD database. This variant has not been reported in the literature in individuals affected with COL18A1-related conditions. ClinVar contains an entry for this variant (Variation ID: 1407920). Experimental studies and prediction algorithms are not available or were not evaluated, and the functional significance of this variant is currently unknown. In summary, the available evidence is currently insufficient to determine the role of this variant in disease. Therefore, it has been classified as a Variant of Uncertain Significance.